The following is an entry in ClinVar:

NM_001252024.2(TRPM1):c.4342G>A (p.Asp1448Asn)

Gene: TRPM1 (transient receptor potential cation channel subfamily M member 1; minus strand). Cytogenetic location: 15q13.3.
Variant type: single nucleotide variant.
Coding change: c.4342G>A on transcript NM_001252024.2 (MANE Select); coding-DNA position 4342, G replaced by A.
Protein change: p.Asp1448Asn; replaces aspartic acid 1448 with asparagine.
Molecular consequence: missense variant.
Genome position (GRCh38, 1-based): chr15:31,002,358, C>T on the plus strand (G>A on the coding strand, the complement: TRPM1 is on the minus strand). VCF-style: chr15-31002358-C-T. GRCh37 (hg19) VCF-style: chr15-31294561-C-T.
Other names: c.4393G>A, p.Asp1465Asn (NM_001252020.2); c.4276G>A, p.Asp1426Asn (NM_002420.6); short protein forms D1426N, D1448N, D1465N.
Identifiers: ClinVar variation 1020745 (VCV001020745.6), dbSNP rs751459846, ClinGen allele CA7451660.

ClinVar aggregate classification (germline): Uncertain significance (1 of 4 stars; one submission).

Allele frequency attached by ClinVar (database versions not stated): gnomAD exomes 0.00001 and 0.00003; ExAC 0.00002; gnomAD 0.00004 and 0.00006; TOPMed 0.00006.
gnomAD v4.1: 20 of 1,614,068 alleles (0.0012%); highest among the groups gnomAD compares: African/African-American, 0.0067%; no homozygotes.

Submission:

Labcorp Genetics (formerly Invitae), Labcorp
Classification: Uncertain significance. Last evaluated: 2022-03-10. Review status: criteria provided, single submitter. Criteria: Invitae Variant Classification Sherloc (09022015). Collection method: clinical testing. Allele origin: germline.
Comment: This sequence change replaces aspartic acid, which is acidic and polar, with asparagine, which is neutral and polar, at codon 1426 of the TRPM1 protein (p.Asp1426Asn). This variant is present in population databases (rs751459846, gnomAD 0.01%). This variant has not been reported in the literature in individuals affected with TRPM1-related conditions. ClinVar contains an entry for this variant (Variation ID: 1020745). Algorithms developed to predict the effect of missense changes on protein structure and function (SIFT, PolyPhen-2, Align-GVGD) all suggest that this variant is likely to be tolerated. In summary, the available evidence is currently insufficient to determine the role of this variant in disease. Therefore, it has been classified as a Variant of Uncertain Significance.